The following is an entry in ClinVar:

ClinVar aggregate classification (germline): Conflicting classifications of pathogenicity. Review status: criteria provided, conflicting classifications (1 of 4 stars). 5 submissions from 5 submitters: Uncertain significance (2); Benign (1); Likely benign (2). Last evaluated 2026-02-03.

Conditions:
Hereditary cancer-predisposing syndrome. Also called: Hereditary Cancer Syndrome; Tumor predisposition; Neoplastic Syndromes, Hereditary; Hereditary neoplastic syndrome. Identifiers: Orphanet 140162, MedGen C0027672, MeSH D009386, MONDO:0015356.
Familial cancer of breast. Also called: BREAST CANCER, FAMILIAL; Hereditary breast cancer; hereditary breast carcinoma. Identifiers: Orphanet 227535, MedGen C0346153, MONDO:0016419, OMIM 114480. Disease mechanism: loss of function.
Ataxia-telangiectasia syndrome (AT). Also called: Cerebello-oculocutaneous telangiectasia; Immunodeficiency with ataxia telangiectasia; AT, COMPLEMENTATION GROUP C; Ataxia-telangiectasia, complementation group D; LOUIS-BAR SYNDROME; Ataxia-telangiectasia, complementation group E. Identifiers: Orphanet 100, MedGen C0004135, MONDO:0008840, OMIM 208900.

Allele frequency attached by ClinVar (database versions not stated): gnomAD exomes below 0.00001; gnomAD 0.00001; TOPMed 0.00002.
gnomAD v4.1: 4 of 1,613,960 alleles (0.00025%); highest among the groups gnomAD compares: Admixed American, 0.0067%; no homozygotes.

Submissions (6):

Labcorp Genetics (formerly Invitae), Labcorp
Classification: Likely benign for Ataxia-telangiectasia syndrome. Last evaluated: 2026-02-03. Review status: criteria provided, single submitter. Criteria: Invitae Variant Classification Sherloc (09022015). Collection method: clinical testing. Allele origin: germline.

Ambry Genetics
Classification: Uncertain significance for Hereditary cancer-predisposing syndrome. Last evaluated: 2024-11-27. Review status: criteria provided, single submitter. Criteria: Ambry Variant Classification Scheme 2023. Collection method: clinical testing. Allele origin: germline.
Comment: The c.2748G>T variant (also known as p.V916V), located in coding exon 17 of the ATM gene, results from a G to T substitution at nucleotide position 2748. This nucleotide substitution does not change the valine at codon 916. This nucleotide position is not well conserved in available vertebrate species. In silico splice site analysis predicts that this alteration may result in the creation or strengthening of a novel splice acceptor site. RNA studies have demonstrated that this alteration results in an incomplete splice defect; the clinical impact of this abnormal splicing is unknown at this time (Ambry internal data). Based on the available evidence, the clinical significance of this variant remains unclear.

Myriad Genetics, Inc.
Classification: Benign for Familial cancer of breast. Last evaluated: 2024-05-10. Review status: criteria provided, single submitter. Criteria: Myriad Autosomal Dominant, Autosomal Recessive and X-Linked Classification Criteria (2023). Collection method: clinical testing. Allele origin: unknown.
Comment: This variant is considered benign. This variant is a silent/synonymous amino acid change and it is not expected to impact splicing.

GeneDx
Classification: Uncertain significance. Last evaluated: 2023-12-11. Review status: criteria provided, single submitter. Criteria: GeneDx Variant Classification Process June 2021. Collection method: clinical testing. Allele origin: germline. Affected: yes.
Comment: Not observed at significant frequency in large population cohorts (gnomAD); Has not been previously published as pathogenic or benign to our knowledge; In silico analysis suggests this variant may impact gene splicing. In the absence of RNA/functional studies, the actual effect of this sequence change is unknown.

Color Diagnostics, LLC DBA Color Health
Classification: Likely benign for Hereditary cancer-predisposing syndrome. Last evaluated: 2019-05-16. Review status: criteria provided, single submitter. Criteria: ACMG Guidelines, 2015. Collection method: clinical testing. Allele origin: germline.

Dr. Peter K. Rogan Lab, Western University
No classification provided (evidence only). Condition: Ovarian serous cystadenocarcinoma. Review status: no classification provided. Collection method: in vitro. Allele origin: not applicable. Functional consequence: retained intron. Not counted in ClinVar's aggregate classification.

NM_000051.4(ATM):c.2748G>T (p.Val916=)

Gene: ATM (ATM serine/threonine kinase; plus strand). Cytogenetic location: 11q22.3.
Variant type: single nucleotide variant.
Coding change: c.2748G>T on transcript NM_000051.4 (MANE Select); coding-DNA position 2748, G replaced by T.
Protein change: p.Val916=; no amino-acid change (valine 916 retained).
Molecular consequence: synonymous variant.
Genome position (GRCh38, 1-based): chr11:108,268,519, G>T. VCF-style: chr11-108268519-G-T. GRCh37 (hg19) VCF-style: chr11-108139246-G-T.
Other names: c.2748G>T, p.Val916= (NM_001351834.2).
Identifiers: ClinVar variation 511832 (VCV000511832.22), dbSNP rs1050470790, ClinGen allele CA228407709.